The following is an entry in ClinVar:

NM_001257180.2(SLC20A2):c.1568A>G (p.Gln523Arg)

Gene: SLC20A2 (solute carrier family 20 member 2; minus strand). Cytogenetic location: 8p11.21.
Variant type: single nucleotide variant.
Coding change: c.1568A>G on transcript NM_001257180.2 (MANE Select); coding-DNA position 1568, A replaced by G.
Protein change: p.Gln523Arg; replaces glutamine 523 with arginine.
Molecular consequence: missense variant.
Genome position (GRCh38, 1-based): chr8:42,430,205, T>C on the plus strand (A>G on the coding strand, the complement: SLC20A2 is on the minus strand). VCF-style: chr8-42430205-T-C. GRCh37 (hg19) VCF-style: chr8-42287723-T-C.
Other names: c.1568A>G, p.Gln523Arg (NM_001257181.2, NM_006749.5); short protein forms Q523R.
Identifiers: ClinVar variation 1308807 (VCV001308807.2), dbSNP rs766155599, ClinGen allele CA371096098.
Genomic context (GRCh38, chr8:42,430,205, plus strand): 5'-CCAACTCCTCCATAAAACAGCAGCCAGACGGGTGTAGCTGCTTCTTGCGTTACCCCGCCT[T>C]GTTTGTAAATCAGCCACAAGGCTACCAGGGGACCGATGGCATTACTGGGAAAAATAAAAA-3'
Protein context (NP_001244109.1, residues 513-533): PLVALWLIYK[Gln523Arg]GGVTQEAATP

ClinVar aggregate classification (germline): Uncertain significance (1 of 4 stars; one submission).

Submission:

GeneDx
Classification: Uncertain significance. Last evaluated: 2019-10-02. Review status: criteria provided, single submitter. Criteria: GeneDx Variant Classification Process June 2021. Collection method: clinical testing. Allele origin: germline. Affected: yes.
Comment: Not observed in large population cohorts (Lek et al., 2016); In silico analysis, which includes protein predictors and evolutionary conservation, supports that this variant does not alter protein structure/function; Has not been previously published as pathogenic or benign to our knowledge